The following is an entry in ClinVar:

ClinVar aggregate classification (germline): Uncertain significance (1 of 4 stars; one submission).

gnomAD v4.1: 61 of 1,612,838 alleles (0.0038%); highest among the groups gnomAD compares: Non-Finnish European, 0.0047%; no homozygotes.

Submission:

Labcorp Genetics (formerly Invitae), Labcorp
Classification: Uncertain significance. Last evaluated: 2025-10-21. Review status: criteria provided, single submitter. Criteria: Invitae Variant Classification Sherloc (09022015). Collection method: clinical testing. Allele origin: germline.
Comment: This sequence change replaces arginine, which is basic and polar, with histidine, which is basic and polar, at codon 734 of the C2 protein (p.Arg734His). This variant is present in population databases (rs146067615, gnomAD 0.004%). This variant has not been reported in the literature in individuals affected with C2-related conditions. ClinVar contains an entry for this variant (Variation ID: 1450943). Invitae Evidence Modeling of protein sequence and biophysical properties (such as structural, functional, and spatial information, amino acid conservation, physicochemical variation, residue mobility, and thermodynamic stability) indicates that this missense variant is not expected to disrupt C2 protein function with a negative predictive value of 80%. In summary, the available evidence is currently insufficient to determine the role of this variant in disease. Therefore, it has been classified as a Variant of Uncertain Significance.

NM_000063.6(C2):c.2201G>A (p.Arg734His)

Gene: C2 (complement C2; plus strand). Cytogenetic location: 6p21.33.
Variant type: single nucleotide variant.
Coding change: c.2201G>A on transcript NM_000063.6 (MANE Select); coding-DNA position 2201, G replaced by A.
Protein change: p.Arg734His; replaces arginine 734 with histidine.
Molecular consequence: missense variant.
Genome position (GRCh38, 1-based): chr6:31,945,299, G>A. VCF-style: chr6-31945299-G-A. GRCh37 (hg19) VCF-style: chr6-31913076-G-A.
Other names: c.1805G>A, p.Arg602His (NM_001145903.3); c.1559G>A, p.Arg520His (NM_001178063.3); c.1463G>A, p.Arg488His (NM_001282457.2); c.2114G>A, p.Arg705His (NM_001282458.2); short protein forms R488H, R705H, R734H, R520H, R602H.
Identifiers: ClinVar variation 1450943 (VCV001450943.8), dbSNP rs146067615, ClinGen allele CA3727911.
Genomic context (GRCh38, chr6:31,945,299, plus strand): 5'-GCAAAAGGGCCCCTCGTAGCAAGGTCCCGCCGCCACGAGACTTTCACATCAATCTCTTCC[G>A]CATGCAGCCCTGGCTGAGGCAGCACCTGGGGGATGTCCTGAATTTTTTACCCCTCTAGCC-3'
Protein context (NP_000054.2, residues 724-744): PPRDFHINLF[Arg734His]MQPWLRQHLG